The following is an entry in ClinVar:

NM_031471.6(FERMT3):c.616G>A (p.Asp206Asn)

Gene: FERMT3 (FERM domain containing kindlin 3; plus strand). Cytogenetic location: 11q13.1.
Variant type: single nucleotide variant.
Coding change: c.616G>A on transcript NM_031471.6 (MANE Select); coding-DNA position 616, G replaced by A.
Protein change: p.Asp206Asn; replaces aspartic acid 206 with asparagine.
Molecular consequence: missense variant.
Genome position (GRCh38, 1-based): chr11:64,211,376, G>A. VCF-style: chr11-64211376-G-A. GRCh37 (hg19) VCF-style: chr11-63978848-G-A.
Other names: c.616G>A, p.Asp206Asn (NM_001382361.1, NM_001382362.1, NM_001382448.1 and 1 more transcripts); c.76G>A, p.Asp26Asn (NM_001382363.1, NM_001382364.1); short protein forms D206N, D26N.
Identifiers: ClinVar variation 963292 (VCV000963292.6), dbSNP rs201973872, ClinGen allele CA6068824.

ClinVar aggregate classification (germline): Uncertain significance. Review status: criteria provided, multiple submitters, no conflicts (2 of 4 stars). 2 submissions from 2 submitters: Uncertain significance (2). Last evaluated 2025-03-31.

Conditions:
Inborn genetic diseases. Identifiers: MedGen C0950123, MeSH D030342.
Leukocyte adhesion deficiency 3. Also called: Leukocyte adhesion deficiency, type III; INTEGRIN ACTIVATION DEFICIENCY DISEASE; LEUKOCYTE ADHESION DEFICIENCY 1 VARIANT. Identifiers: Orphanet 2968, Orphanet 99844, MedGen C2748536, MONDO:0013016, OMIM 612840.

Allele frequency attached by ClinVar (database versions not stated): gnomAD exomes 0.00003 and 0.00001; TOPMed 0.00005; gnomAD 0.00003; ExAC 0.00004.

Submissions (2):

Ambry Genetics
Classification: Uncertain significance for Inborn genetic diseases. Last evaluated: 2025-03-31. Review status: criteria provided, single submitter. Criteria: Ambry Variant Classification Scheme 2023. Collection method: clinical testing. Allele origin: germline.

Labcorp Genetics (formerly Invitae), Labcorp
Classification: Uncertain significance for Leukocyte adhesion deficiency 3. Last evaluated: 2022-08-22. Review status: criteria provided, single submitter. Criteria: Invitae Variant Classification Sherloc (09022015). Collection method: clinical testing. Allele origin: germline.
Comment: This sequence change replaces aspartic acid, which is acidic and polar, with asparagine, which is neutral and polar, at codon 206 of the FERMT3 protein (p.Asp206Asn). This variant is present in population databases (rs201973872, gnomAD 0.009%). This variant has not been reported in the literature in individuals affected with FERMT3-related conditions. ClinVar contains an entry for this variant (Variation ID: 963292). Algorithms developed to predict the effect of missense changes on protein structure and function (SIFT, PolyPhen-2, Align-GVGD) all suggest that this variant is likely to be tolerated. In summary, the available evidence is currently insufficient to determine the role of this variant in disease. Therefore, it has been classified as a Variant of Uncertain Significance.